The following is an entry in ClinVar:

NM_001130009.3(GEN1):c.1615_1620del (p.Asn539_Ala540del)

Gene: GEN1 (GEN1 structure-specific endonuclease; plus strand). Cytogenetic location: 2p24.2.
Variant type: Deletion.
Coding change: c.1615_1620del on transcript NM_001130009.3 (MANE Select); coding-DNA positions 1615 to 1620, 6 bases deleted (AATGCA; older notation c.1615_1620delAATGCA).
Protein change: p.Asn539_Ala540del.
Molecular consequence: inframe deletion.
Genome position (GRCh38, 1-based): chr2:17,780,827-17,780,832, AATGCA deleted. VCF-style (leftmost placement, unchanged base first): chr2-17780826-GAATGCA-G. GRCh37 (hg19) VCF-style: chr2-17962093-GAATGCA-G.
Other names: c.1615_1620del, p.Asn539_Ala540del (NM_182625.5).
Identifiers: ClinVar variation 1038283 (VCV001038283.8), dbSNP rs763844313, ClinGen allele CA1540804.
Genomic context (GRCh38, chr2:17,780,826, plus strand): 5'-ACAGGAATCTATTTCTGCCTCATTGAATAGCTTGCTTTTACCTAAAAATACTCCATGTTT[GAATGCA>G]CAAGAACAGTTCATGTCTTCTCTAAGACCTTTGGCTATACAGCAAATTAAAGCTGTCAGT-3'

ClinVar aggregate classification (germline): Uncertain significance (1 of 4 stars; one submission).

Allele frequency attached by ClinVar (database versions not stated): gnomAD exomes below 0.00001; ExAC 0.00001.

Submission:

Labcorp Genetics (formerly Invitae), Labcorp
Classification: Uncertain significance. Last evaluated: 2023-08-20. Review status: criteria provided, single submitter. Criteria: Invitae Variant Classification Sherloc (09022015). Collection method: clinical testing. Allele origin: germline.
Comment: This variant has not been reported in the literature in individuals affected with GEN1-related conditions. This variant, c.1615_1620del, results in the deletion of 2 amino acid(s) of the GEN1 protein (p.Asn539_Ala540del), but otherwise preserves the integrity of the reading frame. This variant is present in population databases (rs763844313, gnomAD 0.0009%). ClinVar contains an entry for this variant (Variation ID: 1038283). Experimental studies and prediction algorithms are not available or were not evaluated, and the functional significance of this variant is currently unknown. In summary, the available evidence is currently insufficient to determine the role of this variant in disease. Therefore, it has been classified as a Variant of Uncertain Significance.